The following is an entry in ClinVar:

ClinVar aggregate classification (germline): Uncertain significance (1 of 4 stars; one submission).

Conditions:
Congenital myopathy with internal nuclei and atypical cores. Also called: Myopathy, centronuclear, 4. Identifiers: Orphanet 319160, MedGen C4707232, MONDO:0013890, OMIM 614807.

Allele frequency attached by ClinVar (database versions not stated): TOPMed below 0.00001; gnomAD 0.00001; gnomAD exomes 0.00001; ExAC 0.00003.
gnomAD v4.1: 18 of 1,611,144 alleles (0.0011%); highest among the groups gnomAD compares: Non-Finnish European, 0.0015%; no homozygotes.

Submission:

Labcorp Genetics (formerly Invitae), Labcorp
Classification: Uncertain significance for Congenital myopathy with internal nuclei and atypical cores. Last evaluated: 2025-01-23. Review status: criteria provided, single submitter. Criteria: Invitae Variant Classification Sherloc (09022015). Collection method: clinical testing. Allele origin: germline.
Comment: This sequence change replaces glutamic acid, which is acidic and polar, with lysine, which is basic and polar, at codon 77 of the CCDC78 protein (p.Glu77Lys). This variant is present in population databases (rs752590087, gnomAD 0.002%). This variant has not been reported in the literature in individuals affected with CCDC78-related conditions. ClinVar contains an entry for this variant (Variation ID: 2740518). Invitae Evidence Modeling of protein sequence and biophysical properties (such as structural, functional, and spatial information, amino acid conservation, physicochemical variation, residue mobility, and thermodynamic stability) indicates that this missense variant is not expected to disrupt CCDC78 protein function with a negative predictive value of 80%. In summary, the available evidence is currently insufficient to determine the role of this variant in disease. Therefore, it has been classified as a Variant of Uncertain Significance.

NM_001378030.1(CCDC78):c.229G>A (p.Glu77Lys)

Gene: CCDC78 (coiled-coil domain containing 78; minus strand). Cytogenetic location: 16p13.3.
Variant type: single nucleotide variant.
Coding change: c.229G>A on transcript NM_001378030.1 (MANE Select); coding-DNA position 229, G replaced by A.
Protein change: p.Glu77Lys; replaces glutamic acid 77 with lysine.
Molecular consequence: missense variant. On other transcripts: 5 prime UTR variant (1), non-coding transcript variant (5).
Genome position (GRCh38, 1-based): chr16:725,832, C>T on the plus strand (G>A on the coding strand, the complement: CCDC78 is on the minus strand). VCF-style: chr16-725832-C-T. GRCh37 (hg19) VCF-style: chr16-775832-C-T.
Other names: c.229G>A, p.Glu77Lys (NM_001031737.3, NM_001378031.1); c.-57G>A (NM_001378033.1); short protein forms E77K.
Identifiers: ClinVar variation 2740518 (VCV002740518.3), dbSNP rs752590087, ClinGen allele CA7789701.
Genomic context (GRCh38, chr16:725,832, plus strand): 5'-GCTGGTTCACACGGCTGCTCACCTCACTCTTCAGCTGGAAGATTTCAGCCTCATGCTGCT[C>T]ATGTAGGTGGTGGGTTGTGATCTGAATGTCGACCAGCTCCTTGGAGATCTGTGGGTGGCC-3'
Protein context (NP_001364959.1, residues 67-87): DIQITTHHLH[Glu77Lys]QHEAEIFQLK